The following is an entry in ClinVar:

NM_020987.5(ANK3):c.2261C>T (p.Ala754Val)

Gene: ANK3 (ankyrin 3; minus strand). Cytogenetic location: 10q21.2.
Variant type: single nucleotide variant.
Coding change: c.2261C>T on transcript NM_020987.5 (MANE Select); coding-DNA position 2261, C replaced by T.
Protein change: p.Ala754Val; replaces alanine 754 with valine.
Molecular consequence: missense variant.
Genome position (GRCh38, 1-based): chr10:60,173,110, G>A on the plus strand (C>T on the coding strand, the complement: ANK3 is on the minus strand). VCF-style: chr10-60173110-G-A. GRCh37 (hg19) VCF-style: chr10-61932868-G-A.
Other names: c.2243C>T, p.Ala748Val (NM_001204403.2); c.2210C>T, p.Ala737Val (NM_001204404.2); c.2261C>T, p.Ala754Val (NM_001320874.2); short protein forms A737V, A748V, A754V.
Identifiers: ClinVar variation 3360788 (VCV003360788.1).
Genomic context (GRCh38, chr10:60,173,110, plus strand): 5'-AAATGATTCTGGCAGAAACAAAAAAGGAAGGAGCTTACCTTTGTTTTGGCATTAACTTTT[G>A]CAGAATGCTGGAGCAGGAAATTAACAATCTTGATATTTCCATAGTGGCAGCCCACATGCA-3'
Protein context (NP_066267.2, residues 744-764): KIVNFLLQHS[Ala754Val]KVNAKTKNGY

ClinVar aggregate classification (germline): Uncertain significance (1 of 4 stars; one submission).

gnomAD v4.1: 28 of 1,614,050 alleles (0.0017%); highest among the groups gnomAD compares: East Asian, 0.053%; no homozygotes.

Submission:

GeneDx
Classification: Uncertain significance. Last evaluated: 2023-07-06. Review status: criteria provided, single submitter. Criteria: GeneDx Variant Classification Process June 2021. Collection method: clinical testing. Allele origin: germline. Affected: yes.
Comment: In silico analysis supports that this missense variant has a deleterious effect on protein structure/function; Has not been previously published as pathogenic or benign to our knowledge; Variants in candidate genes are classified as variants of uncertain significance in accordance with ACMG guidelines (Richards et al., 2015)